The following is an entry in ClinVar:

ClinVar aggregate classification (germline): Uncertain significance (1 of 4 stars; one submission).

Conditions:
Primary ciliary dyskinesia. Also called: Ciliary dyskinesia. Identifiers: Orphanet 244, MedGen C0008780, MONDO:0016575, HP:0012265.

Submission:

Labcorp Genetics (formerly Invitae), Labcorp
Classification: Uncertain significance for Primary ciliary dyskinesia. Last evaluated: 2023-03-04. Review status: criteria provided, single submitter. Criteria: Invitae Variant Classification Sherloc (09022015). Collection method: clinical testing. Allele origin: germline.
Comment: This variant is not present in population databases (gnomAD no frequency). In summary, the available evidence is currently insufficient to determine the role of this variant in disease. Therefore, it has been classified as a Variant of Uncertain Significance. Algorithms developed to predict the effect of sequence changes on RNA splicing suggest that this variant may disrupt the consensus splice site. Advanced modeling of protein sequence and biophysical properties (such as structural, functional, and spatial information, amino acid conservation, physicochemical variation, residue mobility, and thermodynamic stability) has been performed at Invitae for this missense variant, however the output from this modeling did not meet the statistical confidence thresholds required to predict the impact of this variant on DNAI1 protein function. This missense change has been observed in individual(s) with clinical features of primary ciliary dyskinesia (Invitae). This sequence change replaces threonine, which is neutral and polar, with alanine, which is neutral and non-polar, at codon 464 of the DNAI1 protein (p.Thr464Ala).

NM_012144.4(DNAI1):c.1390A>G (p.Thr464Ala)

Gene: DNAI1 (dynein axonemal intermediate chain 1; plus strand). Cytogenetic location: 9p13.3.
Variant type: single nucleotide variant.
Coding change: c.1390A>G on transcript NM_012144.4 (MANE Select); coding-DNA position 1390, A replaced by G.
Protein change: p.Thr464Ala; replaces threonine 464 with alanine.
Molecular consequence: missense variant.
Genome position (GRCh38, 1-based): chr9:34,512,187, A>G. VCF-style: chr9-34512187-A-G. GRCh37 (hg19) VCF-style: chr9-34512185-A-G.
Other names: c.1402A>G, p.Thr468Ala (NM_001281428.2); short protein forms T464A, T468A.
Identifiers: ClinVar variation 2725716 (VCV002725716.3), dbSNP rs1825078145, ClinGen allele CA373260477.
Genomic context (GRCh38, chr9:34,512,187, plus strand): 5'-GACATGGACCAAAACCTTAACTTCTTCTCTGTGTCATCTGACGGCAGGATTGTGTCTTGG[A>G]CTCTCGTGAAGGTGCCTATTTCCCAGAGAGGGTCACACTGGGGTGATTGGGGAGGCAGGG-3'
Protein context (NP_036276.1, residues 454-474): VSSDGRIVSW[Thr464Ala]LVKRKLVHID